The following continues an entry in ClinVar:

NM_000243.3(MEFV):c.2177T>C (p.Val726Ala)

Gene: MEFV. ClinVar aggregate classification (germline): Pathogenic/Likely pathogenic. Pathogenic (44); Likely pathogenic (6).

Submissions 26 to 38 of 61:

Laboratory for Molecular Medicine, Mass General Brigham Personalized Medicine
Classification: Likely pathogenic for Familial Mediterranean fever. Last evaluated: 2022-06-23. Review status: criteria provided, single submitter. Criteria: ACMG Guidelines, 2015. Collection method: clinical testing. Allele origin: germline. Inheritance: Autosomal recessive inheritance.
Comment: The p.Val726Ala (NM_000243.2 c.2177T>C) variant in MEFV has been reported in >150 homozygous or compound heterozygous individuals with Familial Mediterranean Fever and related disorders (Neocleous 2015 PMID: 25393764, Moradian 2010 PMID: 20485448, Moradian 2014 PMID: 23907647, Beheshtian 2016 PMID: 27659338, Neocleous 2016 PMID: 27994174, Coşkun 2015 PMID: 26690517, FMF consortium 1997 PMID: 9288094, Unal 2010 PMID: 20483145, Cosan 2010 PMID: 20669279, Camus 2012 PMID: 21995303, Shinar 2012 PMID: 22532615), often associated with a more mild form of disease. Additionally, there are >200 individuals with Familial Mediterranean Fever who are heterozygous for p.Val726Ala and for whom a second MEFV allele has not been identified. This variant has been identified in 0.96% and up to 4.6% of healthy controls from the matched population from these studies (Moradian 2014 PMID: 23907647, Beheshtian 2016 PMID: 27659338) and has been identified in 3.96% (402/10152) of Ashkenazi Jewish chromosomes by the Genome Aggregation Database (gnomAD; dbSNP rs28940579). Although this variant is common in specific subpopulations, the allele frequency in cases is statistically significantly increased compared to a healthy population suggesting a causative role; in the Armenian population, the frequency of this variant in healthy individuals was 4.60% compared to 27.98% in affected individuals. This variant has also been reported in ClinVar (Variation ID#2540) as pathogenic by multiple laboratories. Computational prediction tools and conservation analysis do not provide strong support for or against an impact to the protein. In vitro functional studies of the protein domain containing p.Val726Ala variant report an impact to protein binding (Chae 2006 PMID: 21600797). In summary, although the population in specific subpopulations is high, the p.Val726Ala variant is pathogenic for autosomal recessive Familial Mediterranean Fever. ACMG/AMP Criteria applied: PM3_VeryStrong, PS4, PS3_Supporting.

Department of Human Genetics, Hannover Medical School
Classification: Pathogenic for Familial Mediterranean fever, autosomal dominant. Last evaluated: 2022-06-09. Review status: criteria provided, single submitter. Criteria: ACMG Guidelines, 2015. Collection method: clinical testing. Allele origin: germline. Inheritance: Autosomal dominant inheritance. Affected: yes.

Women's Health and Genetics/Laboratory Corporation of America, LabCorp
Classification: Pathogenic for Familial Mediterranean fever. Last evaluated: 2022-05-18. Review status: criteria provided, single submitter. Criteria: LabCorp Variant Classification Summary - May 2015. Collection method: clinical testing. Allele origin: germline.
Comment: Variant summary: MEFV c.2177T>C (p.Val726Ala) results in a non-conservative amino acid change located in the B30.2/SPRY domain of the encoded protein sequence. Three of five in-silico tools predict a benign effect of the variant on protein function. The variant allele was found at a frequency of 0.0022 in 251486 control chromosomes in the gnomAD database, including 9 homozygotes. The variant is reported as one of the most common pathogenic variants in MEFV, and has been reported in numerous affected individuals in the literature. 25 clinical diagnostic laboratories have submitted clinical-significance assessments for this variant to ClinVar after 2014 without evidence for independent evaluation. All laboratories classified the variant as pathogenic/likely pathogenic. Based on the evidence outlined above, the variant was classified as pathogenic.

Mendelics
Classification: Pathogenic for Familial Mediterranean fever, autosomal dominant. Last evaluated: 2022-05-04. Review status: criteria provided, single submitter. Criteria: Mendelics Assertion Criteria 2019. Collection method: clinical testing. Allele origin: germline.

Genome Diagnostics Laboratory, The Hospital for Sick Children
Classification: Pathogenic for Autoinflammatory syndrome. Last evaluated: 2022-04-19. Review status: criteria provided, single submitter. Criteria: ACMG Guidelines, 2015. Collection method: clinical testing. Allele origin: germline. Affected: yes.

GeneDx
Classification: Pathogenic. Last evaluated: 2021-11-03. Review status: criteria provided, single submitter. Criteria: GeneDx Variant Classification Process June 2021. Collection method: clinical testing. Allele origin: germline. Affected: yes.
Comment: In a series of 90 patients of different ethnic groups, V726A accounted for more than 20% of the MEFV pathogenic variants identified (Aksentijevich et al., 1999); Multiple published functional and FMF-knock-in mice studies demonstrate that this variant decreases protein binding activity (Chae et al., 2006) and shows decreased binding of PKN1 and 14-3-3 protein to murine pyrin in vivo, leading to constitutive activation of the pyrin inflammosome (Park YH et al., 2016); homozygosity for this MEFV variant in knock-in mice produced the most severe inflammation from all tested MEFV variants (Park YH et al., 2016); In silico analysis supports that this missense variant does not alter protein structure/function; This variant is associated with the following publications: (PMID: 28943464, 29080837, 19480334, 11781702, 29393966, 29707173, 29260407, 29326099, 30609409, 28828621, 22975760, 22532615, 22783597, 10090880, 23907647, 9288758, 21995303, 25333069, 23588594, 20669279, 20437121, 20483145, 10879615, 27994174, 27057533, 26400644, 26361084, 27538774, 28483595, 26360812, 18318646, 17408446, 28573371, 29431110, 30826945, 14615741, 11175300, 29543225, 31376265, 30783801, 32199921, 31447099, 32601469, 31589614, 33440462, 11977178, 33144682, 32888943, 10842289, 10852276, 32441320, 10662876, 16785446, 27270401, 19302049, 34549050)

Genome-Nilou Lab
Classification: Pathogenic for Familial Mediterranean fever. Last evaluated: 2021-07-22. Review status: criteria provided, single submitter. Criteria: ACMG Guidelines, 2015. Collection method: clinical testing. Allele origin: germline. Affected: no.

Fulgent Genetics
Classification: Pathogenic for Familial Mediterranean fever, autosomal dominant; Familial Mediterranean fever; Acute febrile neutrophilic dermatosis. Last evaluated: 2021-06-30. Review status: criteria provided, single submitter. Criteria: ACMG Guidelines, 2015. Collection method: clinical testing. Allele origin: unknown.
Comment: This variant has been detected in individual(s) who were sent for testing of Renasight - kidney gene panel.

Center for Genomics, Ann and Robert H. Lurie Children's Hospital of Chicago
Classification: Pathogenic for Familial Mediterranean fever, autosomal dominant; Familial Mediterranean fever. Last evaluated: 2021-05-03. Review status: criteria provided, single submitter. Criteria: ACMG Guidelines, 2015. Collection method: clinical testing. Allele origin: germline.
Comment: MEFV NM_000243.2 exon 10 p.Val726Ala (c.2177T>C): This variant is a well established, common pathogenic variant for Familial Mediterranean Fever. This variant has been reported in several publications, including a Genereviews entry describing this variant as disease causing (International FMF Consortium 1997 PMID:8288758, Moradian 2014 PMID:23907647, Shothat 2016 PMID:20301405). This variant is present in 4% (407/10368) of Ashkenazi Jewish alleles including 8 homozygotes in the Genome Aggregation Database. Please note, disease causing variants may be present in control databases at low frequencies, reflective of the general population, carrier status and/or variable expressivity. This variant is present in ClinVar, with several labs classifying this variant as pathogenic (Variation ID:2540). In summary, this variant is classified as pathogenic based on the data above.

Center for Genomics, Ann and Robert H. Lurie Children's Hospital of Chicago
Classification: Pathogenic for Acute febrile neutrophilic dermatosis; Familial Mediterranean fever; Familial Mediterranean fever, autosomal dominant. Last evaluated: 2021-03-30. Review status: criteria provided, single submitter. Criteria: ACMG Guidelines, 2015. Collection method: clinical testing. Allele origin: germline.
Comment: MEFV NM_000243 exon 10 p.Val726Ala (c.2177T>C): This variant is a well established, common pathogenic variant for Familial Mediterranean Fever. This variant has been reported in several publications, including a Genereviews entry describing this variant as disease causing (International FMF Consortium 1997 PMID:8288758, Moradian 2014 PMID:23907647, Shothat 2016 PMID:20301405). This variant is present in 4% (402/10152) of Ashkenazi Jewish alleles including 9 homozygotes in the Genome Aggregation Database. Please note, disease causing variants may be present in control databases at low frequencies, reflective of the general population, carrier status and/or variable expressivity. This variant is present in ClinVar, with several labs classifying this variant as pathogenic (Variation ID:2540). In summary, this variant is classified as pathogenic based on the data above.

Johns Hopkins Genomics, Johns Hopkins University
Classification: Pathogenic for Familial Mediterranean fever. Last evaluated: 2021-01-07. Review status: criteria provided, single submitter. Criteria: ACMG Guidelines, 2015. Collection method: clinical testing. Allele origin: germline.
Comment: MEFV c.2177T>C is one of the most common variants associated with autosomal recessive FMF and it has been identified in many affected individuals in the homozygous and compound heterozygous states. This MEFV variant (rs28940579) has been reported in ClinVar and is present in a large population dataset (gnomAD: 561/282870 total alleles; 0.198%; 9 homozygotes). There is evidence that p.Val726Ala leads to decreased binding of the B30.2 domain of human pyrin to caspase-13 in vitro. We consider c.2177T>C to be pathogenic.

Dubai Health Genomic Medicine Center, Dubai Health
Classification: Pathogenic for Familial Mediterranean fever, autosomal dominant. Last evaluated: 2020-10-04. Review status: criteria provided, single submitter. Criteria: ACMG Guidelines, 2015. Collection method: clinical testing. Allele origin: germline. Affected: yes.

New York Genome Center
Classification: Pathogenic for Familial Mediterranean fever, autosomal dominant. Last evaluated: 2020-07-09. Review status: criteria provided, single submitter. Criteria: NYGC Assertion Criteria 2020. Collection method: clinical testing. Allele origin: inherited. Observed: 1 heterozygote. Study: CSER-NYCKidSeq.